The following is an entry in ClinVar:

ClinVar aggregate classification (germline): Uncertain significance (1 of 4 stars; one submission).

Submission:

Labcorp Genetics (formerly Invitae), Labcorp
Classification: Uncertain significance. Last evaluated: 2023-03-30. Review status: criteria provided, single submitter. Criteria: Invitae Variant Classification Sherloc (09022015). Collection method: clinical testing. Allele origin: germline.
Comment: In summary, the available evidence is currently insufficient to determine the role of this variant in disease. Therefore, it has been classified as a Variant of Uncertain Significance. Algorithms developed to predict the effect of sequence changes on RNA splicing suggest that this variant may disrupt the consensus splice site. This variant has not been reported in the literature in individuals affected with ADGRA3-related conditions. This variant is not present in population databases (gnomAD no frequency). This sequence change falls in intron 11 of the ADGRA3 gene. It does not directly change the encoded amino acid sequence of the ADGRA3 protein.

NM_145290.4(ADGRA3):c.1606-9C>G

Gene: ADGRA3 (adhesion G protein-coupled receptor A3; minus strand). Cytogenetic location: 4p15.2.
Variant type: single nucleotide variant.
Coding change: c.1606-9C>G on transcript NM_145290.4 (MANE Select); 9 bases into the intron before coding-DNA position 1606, C replaced by G.
Molecular consequence: intron variant.
Genome position (GRCh38, 1-based): chr4:22,421,098, G>C on the plus strand (C>G on the coding strand, the complement: ADGRA3 is on the minus strand). VCF-style: chr4-22421098-G-C. GRCh37 (hg19) VCF-style: chr4-22422721-G-C.
Identifiers: ClinVar variation 2874286 (VCV002874286.3), dbSNP rs945434633, ClinGen allele CA93517736.